The following is an entry in ClinVar:

NM_018139.3(DNAAF2):c.2416G>T (p.Glu806Ter)

Gene: DNAAF2 (dynein axonemal assembly factor 2; minus strand). Cytogenetic location: 14q21.3.
Variant type: single nucleotide variant.
Coding change: c.2416G>T on transcript NM_018139.3 (MANE Select); coding-DNA position 2416, G replaced by T.
Protein change: p.Glu806Ter; replaces glutamic acid 806 with a stop codon.
Molecular consequence: nonsense.
Genome position (GRCh38, 1-based): chr14:49,625,640, C>A on the plus strand (G>T on the coding strand, the complement: DNAAF2 is on the minus strand). VCF-style: chr14-49625640-C-A. GRCh37 (hg19) VCF-style: chr14-50092358-C-A.
Other names: c.2272G>T, p.Glu758Ter (NM_001083908.2); c.205G>T, p.Glu69Ter (NM_001378453.1); short protein forms E69*, E758*, E806*.
Identifiers: ClinVar variation 1502916 (VCV001502916.6), dbSNP rs1882982458, ClinGen allele CA389622888.

ClinVar aggregate classification (germline): Uncertain significance (1 of 4 stars; one submission).

Conditions:
Primary ciliary dyskinesia. Also called: Ciliary dyskinesia. Identifiers: Orphanet 244, MedGen C0008780, MONDO:0016575, HP:0012265.

Allele frequency attached by ClinVar (database versions not stated): gnomAD exomes below 0.00001.
gnomAD v4.1: 3 of 1,613,698 alleles (0.00019%); highest among the groups gnomAD compares: South Asian, 0.0033%; no homozygotes.

Submission:

Labcorp Genetics (formerly Invitae), Labcorp
Classification: Uncertain significance for Primary ciliary dyskinesia. Last evaluated: 2021-07-05. Review status: criteria provided, single submitter. Criteria: Invitae Variant Classification Sherloc (09022015). Collection method: clinical testing. Allele origin: germline.
Comment: In summary, the available evidence is currently insufficient to determine the role of this variant in disease. Therefore, it has been classified as a Variant of Uncertain Significance. Experimental studies and prediction algorithms are not available or were not evaluated, and the functional significance of this variant is currently unknown. This variant has not been reported in the literature in individuals affected with DNAAF2-related conditions. This variant is not present in population databases (ExAC no frequency). This sequence change creates a premature translational stop signal (p.Glu806*) in the DNAAF2 gene. While this is not anticipated to result in nonsense mediated decay, it is expected to disrupt the last 32 amino acid(s) of the DNAAF2 protein.